The following is an entry in ClinVar:

ClinVar aggregate classification (germline): Likely benign. Review status: criteria provided, multiple submitters, no conflicts (2 of 4 stars). 2 submissions from 2 submitters: Likely benign (2). Last evaluated 2024-10-29.

Allele frequency attached by ClinVar (database versions not stated): ExAC 0.00002; gnomAD 0.00002; gnomAD exomes 0.00002; TOPMed 0.00002; ESP Exome Variant Server 0.00008.
gnomAD v4.1: 40 of 1,612,226 alleles (0.0025%); highest among the groups gnomAD compares: Non-Finnish European, 0.0034%; no homozygotes.

Submissions (2):

Labcorp Genetics (formerly Invitae), Labcorp
Classification: Likely benign. Last evaluated: 2024-10-29. Review status: criteria provided, single submitter. Criteria: Invitae Variant Classification Sherloc (09022015). Collection method: clinical testing. Allele origin: germline.

CeGaT Center for Human Genetics Tuebingen
Classification: Likely benign. Last evaluated: 2024-05-01. Review status: criteria provided, single submitter. Criteria: CeGaT Center For Human Genetics Tuebingen Variant Classification Criteria Version 2. Collection method: clinical testing. Allele origin: germline. Affected: yes. Observed: 3 variant alleles.
Comment: CTR9: BP4, BP7

NM_014633.5(CTR9):c.2751T>C (p.Phe917=)

Gene: CTR9 (CTR9 component of Paf1/RNA polymerase II complex; plus strand). Cytogenetic location: 11p15.4.
Variant type: single nucleotide variant.
Coding change: c.2751T>C on transcript NM_014633.5 (MANE Select); coding-DNA position 2751, T replaced by C.
Protein change: p.Phe917=; no amino-acid change (phenylalanine 917 retained).
Molecular consequence: synonymous variant.
Genome position (GRCh38, 1-based): chr11:10,774,035, T>C. VCF-style: chr11-10774035-T-C. GRCh37 (hg19) VCF-style: chr11-10795582-T-C.
Other names: c.2679T>C, p.Phe893= (NM_001346279.2).
Identifiers: ClinVar variation 1149236 (VCV001149236.31), dbSNP rs367767575, ClinGen allele CA5885413.